The following is an entry in ClinVar:

ClinVar aggregate classification (germline): Uncertain significance (1 of 4 stars; one submission).

Allele frequency attached by ClinVar (database versions not stated): gnomAD exomes 0.00001; TOPMed 0.00001; ExAC 0.00002.
gnomAD v4.1: 22 of 1,614,088 alleles (0.0014%); highest among the groups gnomAD compares: Middle Eastern, 0.099%; no homozygotes.

Submission:

Labcorp Genetics (formerly Invitae), Labcorp
Classification: Uncertain significance. Last evaluated: 2025-08-02. Review status: criteria provided, single submitter. Criteria: Invitae Variant Classification Sherloc (09022015). Collection method: clinical testing. Allele origin: germline.
Comment: This sequence change replaces arginine, which is basic and polar, with histidine, which is basic and polar, at codon 929 of the MICAL1 protein (p.Arg929His). This variant is present in population databases (rs766661267, gnomAD 0.004%). This variant has not been reported in the literature in individuals affected with MICAL1-related conditions. ClinVar contains an entry for this variant (Variation ID: 2185642). An algorithm developed to predict the effect of missense changes on protein structure and function (PolyPhen-2) suggests that this variant is likely to be tolerated. In summary, the available evidence is currently insufficient to determine the role of this variant in disease. Therefore, it has been classified as a Variant of Uncertain Significance.

NM_022765.4(MICAL1):c.2729G>A (p.Arg910His)

Gene: MICAL1 (microtubule associated monooxygenase, calponin and LIM domain containing 1; minus strand). Cytogenetic location: 6q21.
Variant type: single nucleotide variant.
Coding change: c.2729G>A on transcript NM_022765.4 (MANE Select); coding-DNA position 2729, G replaced by A.
Protein change: p.Arg910His; replaces arginine 910 with histidine.
Molecular consequence: missense variant.
Genome position (GRCh38, 1-based): chr6:109,445,474, C>T on the plus strand (G>A on the coding strand, the complement: MICAL1 is on the minus strand). VCF-style: chr6-109445474-C-T. GRCh37 (hg19) VCF-style: chr6-109766677-C-T.
Other names: c.2471G>A, p.Arg824His (NM_001159291.2); c.2786G>A, p.Arg929His (NM_001286613.2); short protein forms R910H, R929H, R824H.
Identifiers: ClinVar variation 2185642 (VCV002185642.4), dbSNP rs766661267, ClinGen allele CA3952786.